The following is an entry in ClinVar:

ClinVar aggregate classification (germline): Benign (1 of 4 stars; one submission).

gnomAD v4.1: 20,853 of 1,613,680 alleles (1.3%); highest among the groups gnomAD compares: Non-Finnish European, 1.2%; 351 homozygotes.

Submission:

CeGaT Center for Human Genetics Tuebingen
Classification: Benign. Last evaluated: 2025-11-01. Review status: criteria provided, single submitter. Criteria: CeGaT Center For Human Genetics Tuebingen Variant Classification Criteria Version 2. Collection method: clinical testing. Allele origin: germline. Affected: yes. Observed: 2 variant alleles.
Comment: PMFBP1: BP4, BP7, BS1, BS2

NM_031293.3(PMFBP1):c.2580C>T (p.Asp860=)

Gene: PMFBP1 (polyamine modulated factor 1 binding protein 1; minus strand). Cytogenetic location: 16q22.2.
Variant type: single nucleotide variant.
Coding change: c.2580C>T on transcript NM_031293.3 (MANE Select); coding-DNA position 2580, C replaced by T.
Protein change: p.Asp860=; no amino-acid change (aspartic acid 860 retained).
Molecular consequence: synonymous variant.
Genome position (GRCh38, 1-based): chr16:72,124,776, G>A on the plus strand (C>T on the coding strand, the complement: PMFBP1 is on the minus strand). VCF-style: chr16-72124776-G-A. GRCh37 (hg19) VCF-style: chr16-72158675-G-A.
Other names: c.2145C>T, p.Asp715= (NM_001160213.2).
Identifiers: ClinVar variation 3387853 (VCV003387853.14).